The following is an entry in ClinVar:

ClinVar aggregate classification (germline): Uncertain significance (1 of 4 stars; one submission).

Conditions:
Inborn genetic diseases. Identifiers: MedGen C0950123, MeSH D030342.

Submission:

Ambry Genetics
Classification: Uncertain significance for Inborn genetic diseases. Last evaluated: 2025-10-29. Review status: criteria provided, single submitter. Criteria: Ambry Variant Classification Scheme 2023. Collection method: clinical testing. Allele origin: germline.
Comment: The p.D200Y variant (also known as c.598G>T), located in coding exon 5 of the RECQL4 gene, results from a G to T substitution at nucleotide position 598. The aspartic acid at codon 200 is replaced by tyrosine, an amino acid with highly dissimilar properties. This amino acid position is conserved. In addition, the in silico prediction for this alteration is inconclusive. Based on the available evidence, the clinical significance of this variant remains unclear.

NM_004260.4(RECQL4):c.598G>T (p.Asp200Tyr)

Gene: RECQL4 (RecQ like helicase 4; minus strand). Cytogenetic location: 8q24.3.
Variant type: single nucleotide variant.
Coding change: c.598G>T on transcript NM_004260.4 (MANE Select); coding-DNA position 598, G replaced by T.
Protein change: p.Asp200Tyr; replaces aspartic acid 200 with tyrosine.
Molecular consequence: missense variant. On other transcripts: non-coding transcript variant (3), intron variant (3), 5 prime UTR variant (15).
Genome position (GRCh38, 1-based): chr8:144,516,521, C>A on the plus strand (G>T on the coding strand, the complement: RECQL4 is on the minus strand). VCF-style: chr8-144516521-C-A. GRCh37 (hg19) VCF-style: chr8-145741905-C-A.
Other names: c.355-108G>T (NM_001413029.1); c.-366-108G>T (NM_001413021.1, NM_001413028.1); c.598G>T, p.Asp200Tyr (NM_001413017.1, NM_001413018.1, NM_001413019.1 and 4 more transcripts); c.-474G>T (NM_001413022.1, NM_001413023.1, NM_001413024.1 and 5 more transcripts); c.469G>T, p.Asp157Tyr (NM_001413025.1); c.-536G>T (NM_001413027.1, NM_001413030.1, NM_001413031.1 and 2 more transcripts); c.-378G>T (NM_001413034.1); c.-743G>T (NM_001413043.1); short protein forms D200Y, D157Y.
Identifiers: ClinVar variation 4628961 (VCV004628961.1).